The following is an entry in ClinVar:

NM_005585.5(SMAD6):c.601G>C (p.Val201Leu)

Gene: SMAD6 (SMAD family member 6; plus strand). Cytogenetic location: 15q22.31.
Variant type: single nucleotide variant.
Coding change: c.601G>C on transcript NM_005585.5 (MANE Select); coding-DNA position 601, G replaced by C.
Protein change: p.Val201Leu; replaces valine 201 with leucine.
Molecular consequence: missense variant. On other transcripts: non-coding transcript variant (1).
Genome position (GRCh38, 1-based): chr15:66,703,859, G>C. VCF-style: chr15-66703859-G-C. GRCh37 (hg19) VCF-style: chr15-66996197-G-C.
Other names: short protein forms V201L.
Identifiers: ClinVar variation 2453909 (VCV002453909.2), dbSNP rs1893042146, ClinGen allele CA392949873.

ClinVar aggregate classification (germline): Uncertain significance (1 of 4 stars; one submission).

Conditions:
Inborn genetic diseases. Identifiers: MedGen C0950123, MeSH D030342.

Submission:

Ambry Genetics
Classification: Uncertain significance for Inborn genetic diseases. Last evaluated: 2023-02-08. Review status: criteria provided, single submitter. Criteria: Ambry Variant Classification Scheme 2023. Collection method: clinical testing. Allele origin: germline.
Comment: The p.V201L variant (also known as c.601G>C), located in coding exon 1 of the SMAD6 gene, results from a G to C substitution at nucleotide position 601. The valine at codon 201 is replaced by leucine, an amino acid with highly similar properties. This amino acid position is conserved. In addition, this alteration is predicted to be tolerated by in silico analysis. Since supporting evidence is limited at this time, the clinical significance of this alteration remains unclear.